The following is an entry in ClinVar:

NM_183050.4(BCKDHB):c.1070T>C (p.Ile357Thr)

Gene: BCKDHB (branched chain keto acid dehydrogenase E1 subunit beta; plus strand). Cytogenetic location: 6q14.1.
Variant type: single nucleotide variant.
Coding change: c.1070T>C on transcript NM_183050.4 (MANE Select); coding-DNA position 1070, T replaced by C.
Protein change: p.Ile357Thr; replaces isoleucine 357 with threonine.
Molecular consequence: missense variant. On other transcripts: non-coding transcript variant (1).
Genome position (GRCh38, 1-based): chr6:80,343,695, T>C. VCF-style: chr6-80343695-T-C. GRCh37 (hg19) VCF-style: chr6-81053412-T-C.
Other names: c.1070T>C, p.Ile357Thr (NM_000056.5); c.860T>C, p.Ile287Thr (NM_001318975.1); short protein forms I357T, I287T.
Identifiers: ClinVar variation 1439022 (VCV001439022.8), dbSNP rs2128020569, ClinGen allele CA365021414.

ClinVar aggregate classification (germline): Uncertain significance (1 of 4 stars; one submission).

Conditions:
Maple syrup urine disease (MSUD). Identifiers: Orphanet 511, MedGen C0024776, MeSH D008375, MONDO:0009563. Disease mechanism: loss of function.

Submission:

Labcorp Genetics (formerly Invitae), Labcorp
Classification: Uncertain significance for Maple syrup urine disease. Last evaluated: 2020-11-30. Review status: criteria provided, single submitter. Criteria: Invitae Variant Classification Sherloc (09022015). Collection method: clinical testing. Allele origin: germline.
Comment: This sequence change replaces isoleucine with threonine at codon 357 of the BCKDHB protein (p.Ile357Thr). The isoleucine residue is highly conserved and there is a moderate physicochemical difference between isoleucine and threonine. In summary, the available evidence is currently insufficient to determine the role of this variant in disease. Therefore, it has been classified as a Variant of Uncertain Significance. Algorithms developed to predict the effect of missense changes on protein structure and function are either unavailable or do not agree on the potential impact of this missense change (SIFT: "Deleterious"; PolyPhen-2: "Probably Damaging"; Align-GVGD: "Class C0"). This variant has not been reported in the literature in individuals with BCKDHB-related conditions. This variant is not present in population databases (ExAC no frequency).